The following is an entry in ClinVar:

ClinVar aggregate classification (germline): Pathogenic (1 of 4 stars; one submission).

Conditions:
Cardiovascular phenotype. Identifiers: MedGen CN230736.
Hereditary cancer-predisposing syndrome. Also called: Neoplastic Syndromes, Hereditary; Tumor predisposition; Hereditary neoplastic syndrome; Hereditary Cancer Syndrome. Identifiers: Orphanet 140162, MedGen C0027672, MeSH D009386, MONDO:0015356.

Submission:

Ambry Genetics
Classification: Pathogenic for Cardiovascular phenotype; Hereditary cancer-predisposing syndrome. Last evaluated: 2026-08-12. Review status: criteria provided, single submitter. Criteria: Ambry Variant Classification Scheme 2023. Collection method: clinical testing. Allele origin: germline.
Comment: The c.325_338del14 pathogenic mutation, located in coding exon 4 of the LZTR1 gene, results from a deletion of 14 nucleotides at nucleotide positions 325 to 338, causing a translational frameshift with a predicted alternate stop codon (p.F109Pfs*32). This variant is considered to be rare based on population cohorts in the Genome Aggregation Database (gnomAD). This nucleotide position is well conserved in available vertebrate species. In silico splice site analysis predicts that this alteration will not have any significant effect on splicing. However, RNA studies have demonstrated that this variant results in abnormal splicing in the set of samples tested (Ambry internal data). Loss-of-function variants in LZTR1 are related to an increased risk for schwannomas and autosomal recessive Noonan syndrome; however, such associations with autosomal dominant Noonan syndrome have not been observed (Piotrowski A et al. Nat Genet. 2014 Feb;46:182-7; Yamamoto GL et al. J Med Genet. 2015 Jun;52:413-21; Johnston JJ et al. Genet Med. 2018 10;20:1175-1185). Based on the supporting evidence, this variant is pathogenic for an increased risk of LZTR1-related schwannomatosis (SWN) and would be expected to cause autosomal recessive Noonan syndrome when present along with a second pathogenic or likely pathogenic variant on the other allele; however, the association of this variant with autosomal dominant Noonan syndrome is unlikely.

NM_006767.4(LZTR1):c.325_338del (p.Phe109fs)

Gene: LZTR1 (leucine zipper like post translational regulator 1; plus strand). Cytogenetic location: 22q11.21.
Variant type: Deletion.
Coding change: c.325_338del on transcript NM_006767.4 (MANE Select); coding-DNA positions 325 to 338, 14 bases deleted (TTTACCACTGGGAC).
Protein change: p.Phe109fs; shifts the reading frame from phenylalanine 109.
Molecular consequence: frameshift variant.
Genome position (GRCh38, 1-based): chr22:20,987,508-20,987,521, TTTACCACTGGGAC deleted; deleting any 14 consecutive bases within chr22:20,987,507-20,987,521 gives the same sequence; the c. name uses the placement nearest the transcript's 3' end. VCF-style (leftmost placement, unchanged base first): chr22-20987506-CCTTTACCACTGGGA-C. GRCh37 (hg19) VCF-style: chr22-21341795-CCTTTACCACTGGGA-C.
Other names: short protein forms F109fs.
Identifiers: ClinVar variation 5023738 (VCV005023738.1).